The following is an entry in ClinVar:

NM_020806.5(GPHN):c.1560del (p.Thr520_Val521insTer)

Gene: GPHN (gephyrin; plus strand). Cytogenetic location: 14q23.3.
Variant type: Deletion.
Coding change: c.1560del on transcript NM_020806.5 (MANE Select); coding-DNA position 1560, one base deleted (T; older notation c.1560delT).
Protein change: p.Thr520_Val521insTer.
Molecular consequence: frameshift variant.
Genome position (GRCh38, 1-based): chr14:67,113,105, T deleted. VCF-style (leftmost placement, unchanged base first): chr14-67113104-CT-C. GRCh37 (hg19) VCF-style: chr14-67579821-CT-C.
Other names: c.1581del, p.Thr527_Val528insTer (NM_001377516.1); c.1533del, p.Thr511_Val512insTer (NM_001377517.1); c.1518del, p.Thr506_Val507insTer (NM_001377518.1); c.1500del, p.Thr500_Val501insTer (NM_001377519.1); c.1461del, p.Thr487_Val488insTer (NM_001024218.2); c.1620del, p.Thr540_Val541insTer (NM_001377514.1); c.1590del, p.Thr530_Val531insTer (NM_001377515.1).
Identifiers: ClinVar variation 2036462 (VCV002036462.4), dbSNP rs2543402851, ClinGen allele CA2580088570.

ClinVar aggregate classification (germline): Pathogenic (1 of 4 stars; one submission).

Conditions:
Sulfite oxidase deficiency due to molybdenum cofactor deficiency type C. Also called: Molybdenum cofactor deficiency C; Molybdenum cofactor deficiency, complementation group C. Identifiers: Orphanet 308400, Orphanet 833, MedGen C1854990, MONDO:0014212, OMIM 615501.

Submission:

Labcorp Genetics (formerly Invitae), Labcorp
Classification: Pathogenic for Sulfite oxidase deficiency due to molybdenum cofactor deficiency type C. Last evaluated: 2024-12-19. Review status: criteria provided, single submitter. Criteria: Invitae Variant Classification Sherloc (09022015). Collection method: clinical testing. Allele origin: germline.
Comment: This sequence change creates a premature translational stop signal (p.Val521*) in the GPHN gene. It is expected to result in an absent or disrupted protein product. Loss-of-function variants in GPHN are known to be pathogenic (PMID: 11095995, 23184456, 23393157, 24561070, 26613940). This variant is not present in population databases (gnomAD no frequency). This variant has not been reported in the literature in individuals affected with GPHN-related conditions. ClinVar contains an entry for this variant (Variation ID: 2036462). Algorithms developed to predict the effect of sequence changes on RNA splicing suggest that this variant may create or strengthen a splice site. For these reasons, this variant has been classified as Pathogenic.

Literature cited by the submitters: PubMed 11095995; PubMed 23184456; PubMed 23393157; PubMed 24561070; PubMed 26613940.